The following is an entry in ClinVar:

NM_013275.6(ANKRD11):c.5489A>T (p.Glu1830Val)

Gene: ANKRD11 (ankyrin repeat domain 11; minus strand). Cytogenetic location: 16q24.3.
Variant type: single nucleotide variant.
Coding change: c.5489A>T on transcript NM_013275.6 (MANE Select); coding-DNA position 5489, A replaced by T.
Protein change: p.Glu1830Val; replaces glutamic acid 1830 with valine.
Molecular consequence: missense variant.
Genome position (GRCh38, 1-based): chr16:89,281,053, T>A on the plus strand (A>T on the coding strand, the complement: ANKRD11 is on the minus strand). VCF-style: chr16-89281053-T-A. GRCh37 (hg19) VCF-style: chr16-89347461-T-A.
Other names: c.5489A>T, p.Glu1830Val (NM_001256182.2, NM_001256183.2); short protein forms E1830V.
Identifiers: ClinVar variation 4839403 (VCV004839403.1).
Genomic context (GRCh38, chr16:89,281,053, plus strand): 5'-TACCCTGGCGACAAGCAGGCAAACTTCTCCGCGGGAACCGGGGGCAGGGGCGCCCTGTCT[T>A]CCATCGAGGGTGGCATGGGAGAGTCGTAGCTGGAGGCAGCAGGAACGCTCTGCTGCCTGA-3'
Protein context (NP_037407.4, residues 1820-1840): SYDSPMPPSM[Glu1830Val]DRAPLPPVPA

ClinVar aggregate classification (germline): Uncertain significance (1 of 4 stars; one submission).

Conditions:
Inborn genetic diseases. Identifiers: MedGen C0950123, MeSH D030342.

gnomAD v4.1: 2 of 1,604,886 alleles (0.00012%); highest among the groups gnomAD compares: Non-Finnish European, 0.00017%; no homozygotes.

Submission:

Ambry Genetics
Classification: Uncertain significance for Inborn genetic diseases. Last evaluated: 2026-01-14. Review status: criteria provided, single submitter. Criteria: Ambry Variant Classification Scheme 2023. Collection method: clinical testing. Allele origin: germline.
Comment: The c.5489A>T (p.E1830V) alteration is located in exon 9 (coding exon 7) of the ANKRD11 gene. This alteration results from a A to T substitution at nucleotide position 5489, causing the glutamic acid (E) at amino acid position 1830 to be replaced by a valine (V). Based on data from gnomAD, the T allele has an overall frequency of <0.001% (1/247314) total alleles studied. The highest observed frequency was 0.001% (1/111994) of European (non-Finnish) alleles. Based on insufficient or conflicting evidence, the clinical significance of this alteration remains unclear.